The following is an entry in ClinVar:

ClinVar aggregate classification (germline): Likely benign (1 of 4 stars; one submission).

Submission:

CeGaT Center for Human Genetics Tuebingen
Classification: Likely benign. Last evaluated: 2022-08-01. Review status: criteria provided, single submitter. Criteria: CeGaT Center For Human Genetics Tuebingen Variant Classification Criteria Version 2. Collection method: clinical testing. Allele origin: germline. Affected: yes. Observed: 1 variant allele.
Comment: TTN: PM2:Supporting, BP4, BP7

NM_001267550.2(TTN):c.81423T>C (p.Leu27141=)

Genes: TTN (titin; minus strand), TTN-AS1 (TTN antisense RNA 1; plus strand). Cytogenetic location: 2q31.2.
Variant type: single nucleotide variant.
Coding change: c.81423T>C on transcript NM_001267550.2 (MANE Select); coding-DNA position 81423, T replaced by C.
Protein change: p.Leu27141=; no amino-acid change (leucine 27141 retained).
Molecular consequence: synonymous variant.
Genome position (GRCh38, 1-based): chr2:178,564,709, A>G on the plus strand (T>C on the coding strand, the complement: TTN is on the minus strand). VCF-style: chr2-178564709-A-G. GRCh37 (hg19) VCF-style: chr2-179429436-A-G.
Other names: c.54603T>C, p.Leu18201= (NM_133432.3); c.54804T>C, p.Leu18268= (NM_133437.4); c.76500T>C, p.Leu25500= (NM_001256850.1); c.54228T>C, p.Leu18076= (NM_003319.4); c.73719T>C, p.Leu24573= (NM_133378.4).
Identifiers: ClinVar variation 2651605 (VCV002651605.24), dbSNP rs2468217089, ClinGen allele CA430251268.